The following is an entry in ClinVar:

NM_001142864.4(PIEZO1):c.7050-33G>A

Genes: PIEZO1 (piezo type mechanosensitive ion channel component 1 (Er blood group); minus strand), MIR4722 (microRNA 4722; minus strand). Cytogenetic location: 16q24.3.
Variant type: single nucleotide variant.
Coding change: c.7050-33G>A on transcript NM_001142864.4 (MANE Select); 33 bases into the intron before coding-DNA position 7050, G replaced by A.
Molecular consequence: intron variant. On other transcripts: non-coding transcript variant (1).
Genome position (GRCh38, 1-based): chr16:88,716,310, C>T on the plus strand (G>A on the coding strand, the complement: PIEZO1 is on the minus strand). VCF-style: chr16-88716310-C-T. GRCh37 (hg19) VCF-style: chr16-88782718-C-T.
Identifiers: ClinVar variation 4883196 (VCV004883196.2).

ClinVar aggregate classification (germline): Uncertain significance (1 of 4 stars; one submission).

Conditions:
PIEZO1-related congenital lymphatic dysplasia with hydrops and/or lymphoedema.

Submission:

Dasa
Classification: Uncertain significance for PIEZO1-related congenital lymphatic dysplasia with hydrops and/or lymphoedema. Last evaluated: 2025-09-26. Review status: criteria provided, single submitter. Criteria: DASA Assertion Criteria. Collection method: clinical testing. Allele origin: germline.
Comment: NM_001142864.4(PIEZO1):c.7050-33G>A is an intronic variant. This variant is absent from population databases. The currently available literature and clinical evidence are not sufficient to establish a definitive association between this variant and the reported condition. Therefore, this variant is classified as a variant of uncertain significance.